The following is an entry in ClinVar:

ClinVar aggregate classification (germline): Pathogenic (1 of 4 stars; one submission).

Conditions:
Infantile neuroaxonal dystrophy (NBIA2A). Also called: NEURODEGENERATION WITH BRAIN IRON ACCUMULATION 2A; SEITELBERGER DISEASE; Infantile neuroaxonal dystrophy 1. Identifiers: Orphanet 35069, MedGen C0270724, MONDO:0024457, OMIM 256600.

gnomAD v4.1: 1 of 1,613,464 alleles (0.000062%); highest among the groups gnomAD compares: Non-Finnish European, 0.000085%; no homozygotes.

Submission:

Labcorp Genetics (formerly Invitae), Labcorp
Classification: Pathogenic for Infantile neuroaxonal dystrophy. Last evaluated: 2024-02-26. Review status: criteria provided, single submitter. Criteria: Invitae Variant Classification Sherloc (09022015). Collection method: clinical testing. Allele origin: germline.
Comment: This sequence change replaces asparagine, which is neutral and polar, with lysine, which is basic and polar, at codon 658 of the PLA2G6 protein (p.Asn658Lys). This variant is not present in population databases (gnomAD no frequency). This missense change has been observed in individual(s) with PLA2G6-related conditions (PMID: 27516098; Invitae). In at least one individual the data is consistent with being in trans (on the opposite chromosome) from a pathogenic variant. ClinVar contains an entry for this variant (Variation ID: 2170057). Advanced modeling of protein sequence and biophysical properties (such as structural, functional, and spatial information, amino acid conservation, physicochemical variation, residue mobility, and thermodynamic stability) performed at Invitae indicates that this missense variant is expected to disrupt PLA2G6 protein function with a positive predictive value of 80%. For these reasons, this variant has been classified as Pathogenic.

Literature cited by the submitters: PubMed 27516098.

NM_003560.4(PLA2G6):c.1974C>G (p.Asn658Lys)

Gene: PLA2G6 (phospholipase A2 group VI; minus strand). Cytogenetic location: 22q13.1.
Variant type: single nucleotide variant.
Coding change: c.1974C>G on transcript NM_003560.4 (MANE Select); coding-DNA position 1974, C replaced by G.
Protein change: p.Asn658Lys; replaces asparagine 658 with lysine.
Molecular consequence: missense variant.
Genome position (GRCh38, 1-based): chr22:38,115,587, G>C on the plus strand (C>G on the coding strand, the complement: PLA2G6 is on the minus strand). VCF-style: chr22-38115587-G-C. GRCh37 (hg19) VCF-style: chr22-38511594-G-C.
Other names: c.1812C>G, p.Asn604Lys (NM_001004426.3, NM_001199562.3, NM_001349865.2 and 1 more transcripts); c.1974C>G, p.Asn658Lys (NM_001349864.2); c.1440C>G, p.Asn480Lys (NM_001349867.2); c.1296C>G, p.Asn432Lys (NM_001349868.2); c.1278C>G, p.Asn426Lys (NM_001349869.2); short protein forms N426K, N432K, N658K, N604K, N480K.
Identifiers: ClinVar variation 2170057 (VCV002170057.4), dbSNP rs1048444597, ClinGen allele CA411524705.